The following is an entry in ClinVar:

ClinVar aggregate classification (germline): Uncertain significance (1 of 4 stars; one submission).

Conditions:
Cutis laxa, X-linked (OHS). Also called: Occipital horn syndrome; EDS IX. Identifiers: Orphanet 198, MedGen C0268353, MONDO:0010572, OMIM 304150.
Menkes kinky-hair syndrome (MNK). Also called: Copper transport disease; Menkes Disease; Classic Menkes Disease. Identifiers: Orphanet 565, MedGen C0022716, MONDO:0010651, OMIM 309400.
X-linked distal spinal muscular atrophy type 3. Also called: ATP7A-Related Distal Motor Neuropathy; SPINAL MUSCULAR ATROPHY, DISTAL, X-LINKED RECESSIVE; NEURONOPATHY, DISTAL HEREDITARY MOTOR, X-LINKED; NEUROPATHY, DISTAL HEREDITARY MOTOR, X-LINKED. Identifiers: Orphanet 139557, MedGen C1845359, MONDO:0010338, OMIM 300489.

gnomAD v4.1: 2 of 1,207,446 alleles (0.00017%); highest among the groups gnomAD compares: Admixed American, 0.0022%; no homozygotes.

Submission:

Labcorp Genetics (formerly Invitae), Labcorp
Classification: Uncertain significance for X-linked distal spinal muscular atrophy type 3; Cutis laxa, X-linked; Menkes kinky-hair syndrome. Last evaluated: 2024-04-20. Review status: criteria provided, single submitter. Criteria: Invitae Variant Classification Sherloc (09022015). Collection method: clinical testing. Allele origin: germline.
Comment: This sequence change replaces isoleucine, which is neutral and non-polar, with asparagine, which is neutral and polar, at codon 957 of the ATP7A protein (p.Ile957Asn). This variant is not present in population databases (gnomAD no frequency). This variant has not been reported in the literature in individuals affected with ATP7A-related conditions. ClinVar contains an entry for this variant (Variation ID: 2199882). Advanced modeling of protein sequence and biophysical properties (such as structural, functional, and spatial information, amino acid conservation, physicochemical variation, residue mobility, and thermodynamic stability) has been performed at Invitae for this missense variant, however the output from this modeling did not meet the statistical confidence thresholds required to predict the impact of this variant on ATP7A protein function. In summary, the available evidence is currently insufficient to determine the role of this variant in disease. Therefore, it has been classified as a Variant of Uncertain Significance.

NM_000052.7(ATP7A):c.2870T>A (p.Ile957Asn)

Gene: ATP7A (ATPase copper transporting alpha; plus strand). Cytogenetic location: Xq21.1.
Variant type: single nucleotide variant.
Coding change: c.2870T>A on transcript NM_000052.7 (MANE Select); coding-DNA position 2870, T replaced by A.
Protein change: p.Ile957Asn; replaces isoleucine 957 with asparagine.
Molecular consequence: missense variant.
Genome position (GRCh38, 1-based): chrX:78,021,033, T>A. VCF-style: chrX-78021033-T-A. GRCh37 (hg19) VCF-style: chrX-77276530-T-A.
Other names: c.2636T>A, p.Ile879Asn (NM_001282224.2); short protein forms I957N, I879N.
Identifiers: ClinVar variation 2199882 (VCV002199882.3), dbSNP rs781922067, ClinGen allele CA413602880.